The following is an entry in ClinVar:

NM_001558.4(IL10RA):c.1197T>C (p.Asp399=)

Gene: IL10RA (interleukin 10 receptor subunit alpha; plus strand). Cytogenetic location: 11q23.3.
Variant type: single nucleotide variant.
Coding change: c.1197T>C on transcript NM_001558.4 (MANE Select); coding-DNA position 1197, T replaced by C.
Protein change: p.Asp399=; no amino-acid change (aspartic acid 399 retained).
Molecular consequence: synonymous variant. On other transcripts: non-coding transcript variant (1).
Genome position (GRCh38, 1-based): chr11:117,999,101, T>C. VCF-style: chr11-117999101-T-C. GRCh37 (hg19) VCF-style: chr11-117869816-T-C.
Identifiers: ClinVar variation 1615047 (VCV001615047.36), dbSNP rs34400047, ClinGen allele CA6299136.

ClinVar aggregate classification (germline): Likely benign. Review status: criteria provided, multiple submitters, no conflicts (2 of 4 stars). 2 submissions from 2 submitters: Likely benign (2). Last evaluated 2026-01-06.

Conditions:
Inflammatory bowel disease 28. Also called: Inflammatory bowel disease 28, early onset, autosomal recessive. Identifiers: Orphanet 238569, MedGen C2751053, MONDO:0013153, OMIM 613148.

Allele frequency attached by ClinVar (database versions not stated): ExAC 0.00004; gnomAD 0.00007 and 0.00008; TOPMed 0.00008; gnomAD exomes 0.00009 and 0.00015; ESP Exome Variant Server 0.00015.
gnomAD v4.1: 231 of 1,611,262 alleles (0.014%); highest among the groups gnomAD compares: Non-Finnish European, 0.019%; 1 homozygote.

Submissions (2):

Labcorp Genetics (formerly Invitae), Labcorp
Classification: Likely benign for Inflammatory bowel disease 28. Last evaluated: 2026-01-06. Review status: criteria provided, single submitter. Criteria: Invitae Variant Classification Sherloc (09022015). Collection method: clinical testing. Allele origin: germline.

CeGaT Center for Human Genetics Tuebingen
Classification: Likely benign. Last evaluated: 2023-03-01. Review status: criteria provided, single submitter. Criteria: CeGaT Center For Human Genetics Tuebingen Variant Classification Criteria Version 2. Collection method: clinical testing. Allele origin: germline. Affected: yes. Observed: 1 variant allele.
Comment: IL10RA: BP4, BP7